The following is an entry in ClinVar:

ClinVar aggregate classification (germline): Likely pathogenic (1 of 4 stars; one submission).

Conditions:
Microcephaly 5, primary, autosomal recessive (MCPH5). Also called: ASPM Primary Microcephaly. Identifiers: Orphanet 2512, MedGen C1837501, MONDO:0012106, OMIM 608716.

Submission:

3billion
Classification: Likely pathogenic for Microcephaly 5, primary, autosomal recessive. Last evaluated: 2022-09-01. Review status: criteria provided, single submitter. Criteria: ACMG Guidelines, 2015. Collection method: clinical testing. Allele origin: germline. Affected: yes. Observed: 1 heterozygote.
Comment: The variant is not observed in the gnomAD v2.1.1 dataset. Frameshift variant is predicted to result in a loss or disruption of normal protein function through nonsense-mediated decay (NMD) or protein truncation. Multiple pathogenic variants are reported downstream of the variant. Therefore, this variant is classified as Likely pathogenic according to the recommendation of ACMG/AMP guideline.

NM_018136.5(ASPM):c.532del (p.Thr178fs)

Gene: ASPM (assembly factor for spindle microtubules; minus strand). Cytogenetic location: 1q31.3.
Variant type: Deletion.
Coding change: c.532del on transcript NM_018136.5 (MANE Select); coding-DNA position 532, one base deleted (A; older notation c.532delA).
Protein change: p.Thr178fs; shifts the reading frame from threonine 178.
Molecular consequence: frameshift variant.
Genome position (GRCh38, 1-based): chr1:197,143,720, T deleted on the plus strand (A on the coding strand, the reverse complement: ASPM is on the minus strand); the first of 4 consecutive T bases (chr1:197,143,720-197,143,723); deleting any one gives the same sequence. VCF-style (leftmost placement, unchanged base first): chr1-197143719-GT-G. GRCh37 (hg19) VCF-style: chr1-197112849-GT-G.
Other names: c.532del, p.Thr178fs (NM_001206846.2); short protein forms T178fs.
Identifiers: ClinVar variation 1705429 (VCV001705429.1), dbSNP rs2527406464, ClinGen allele CA2580061806.
Genomic context (GRCh38, chr1:197,143,719, plus strand): 5'-AAGTTTTCACAAGCTTGTAGTGGGCTCCTAACTCTGTCAACTTTTTGGGAAACACTAAAT[GT>G]TTTATTAACATTCTGAATATTTGAAACCCTTCTGTTGTGACTTGTAGAGGCTGAAATTTT-3'